The following is an entry in ClinVar:

ClinVar aggregate classification (germline): Benign/Likely benign. Review status: criteria provided, multiple submitters, no conflicts (2 of 4 stars). 4 submissions from 4 submitters: Benign (1); Likely benign (3). Last evaluated 2024-08-10.

Conditions:
Hereditary cancer-predisposing syndrome. Also called: Neoplastic Syndromes, Hereditary; Hereditary Cancer Syndrome; Tumor predisposition; Hereditary neoplastic syndrome. Identifiers: Orphanet 140162, MedGen C0027672, MeSH D009386, MONDO:0015356.
Familial cancer of breast. Also called: Hereditary breast cancer; hereditary breast carcinoma; BREAST CANCER, FAMILIAL. Identifiers: Orphanet 227535, MedGen C0346153, MONDO:0016419, OMIM 114480. Disease mechanism: loss of function.

Submissions (4):

Ambry Genetics
Classification: Likely benign for Hereditary cancer-predisposing syndrome. Last evaluated: 2024-08-10. Review status: criteria provided, single submitter. Criteria: Ambry Variant Classification Scheme 2023. Collection method: clinical testing. Allele origin: germline.

Myriad Genetics, Inc.
Classification: Benign for Familial cancer of breast. Last evaluated: 2024-07-30. Review status: criteria provided, single submitter. Criteria: Myriad Autosomal Dominant, Autosomal Recessive and X-Linked Classification Criteria (2023). Collection method: clinical testing. Allele origin: unknown.
Comment: This variant is considered benign. This variant is a silent/synonymous amino acid change and it is not expected to impact splicing.

Labcorp Genetics (formerly Invitae), Labcorp
Classification: Likely benign for Familial cancer of breast. Last evaluated: 2024-07-01. Review status: criteria provided, single submitter. Criteria: Invitae Variant Classification Sherloc (09022015). Collection method: clinical testing. Allele origin: germline.

Color Diagnostics, LLC DBA Color Health
Classification: Likely benign for Hereditary cancer-predisposing syndrome. Last evaluated: 2019-03-12. Review status: criteria provided, single submitter. Criteria: ACMG Guidelines, 2015. Collection method: clinical testing. Allele origin: germline.

NM_000465.4(BARD1):c.2280G>C (p.Ser760=)

Gene: BARD1 (BRCA1 associated RING domain 1; minus strand). Cytogenetic location: 2q35.
Variant type: single nucleotide variant.
Coding change: c.2280G>C on transcript NM_000465.4 (MANE Select); coding-DNA position 2280, G replaced by C.
Protein change: p.Ser760=; no amino-acid change (serine 760 retained).
Molecular consequence: synonymous variant. On other transcripts: non-coding transcript variant (3).
Genome position (GRCh38, 1-based): chr2:214,728,730, C>G on the plus strand (G>C on the coding strand, the complement: BARD1 is on the minus strand). VCF-style: chr2-214728730-C-G. GRCh37 (hg19) VCF-style: chr2-215593454-C-G.
Other names: c.2280G>C (NM_000465.2); c.2223G>C, p.Ser741= (NM_001282543.2); c.927G>C, p.Ser309= (NM_001282545.2); c.870G>C, p.Ser290= (NM_001282548.2); c.741G>C, p.Ser247= (NM_001282549.2).
Identifiers: ClinVar variation 707786 (VCV000707786.14), dbSNP rs749959440, ClinGen allele CA431392593.
Genomic context (GRCh38, chr2:214,728,730, plus strand): 5'-TAATATTCAGCTGTCAAGAGGAAGCAACTCAAAGGACATCACACAGTCTATAAACCAGCT[C>G]GAAGGAGCCTTCCAGACTTTGCCCTGCCGAACCCTCTCTGGGTGATAATTACACAAATCT-3'
Protein context (NP_000456.2, residues 750-770): VRQGKVWKAP[Ser760=]SWFIDCVMSF